The following is an entry in ClinVar:

NM_004415.4(DSP):c.1494G>A (p.Pro498=)

Gene: DSP (desmoplakin; plus strand). Cytogenetic location: 6p24.3.
Variant type: single nucleotide variant.
Coding change: c.1494G>A on transcript NM_004415.4 (MANE Select); coding-DNA position 1494, G replaced by A.
Protein change: p.Pro498=; no amino-acid change (proline 498 retained).
Molecular consequence: synonymous variant.
Genome position (GRCh38, 1-based): chr6:7,569,260, G>A. VCF-style: chr6-7569260-G-A. GRCh37 (hg19) VCF-style: chr6-7569493-G-A.
Other names: c.1494G>A, p.Pro498= (NM_001008844.3, NM_001319034.2); c.1494G>A (NM_004415.3).
Identifiers: ClinVar variation 928319 (VCV000928319.15), dbSNP rs764544754, ClinGen allele CA028459.

ClinVar aggregate classification (germline): Benign/Likely benign. Review status: criteria provided, multiple submitters, no conflicts (2 of 4 stars). 6 submissions from 6 submitters: Benign (1); Likely benign (5). Last evaluated 2025-07-21.

Conditions:
Cardiovascular phenotype. Identifiers: MedGen CN230736.
Arrhythmogenic cardiomyopathy with wooly hair and keratoderma. Also called: PALMOPLANTAR KERATODERMA WITH LEFT VENTRICULAR CARDIOMYOPATHY AND WOOLLY HAIR; Carvajal syndrome; Dilated cardiomyopathy with woolly hair and keratoderma; Arrhythmogenic cardiomyopathy with woolly hair and keratoderma. Identifiers: Orphanet 65282, MedGen C1854063, MONDO:0011581, OMIM 605676.
Arrhythmogenic right ventricular dysplasia 8 (ARVD8). Also called: Arrhythmogenic Right Ventricular Dysplasia/Cardiomyopathy 8; ARRHYTHMOGENIC RIGHT VENTRICULAR CARDIOMYOPATHY 8; ARRHYTHMOGENIC RIGHT VENTRICULAR DYSPLASIA, FAMILIAL, 8. Identifiers: MedGen C1843896, MONDO:0011831, OMIM 607450.
Cardiomyopathy (CMYO). Also called: Cardiomyopathies. Identifiers: Orphanet 167848, MedGen C0878544, MONDO:0004994, HP:0001638. Inheritance: Various modes of inheritance.
DSP-related disorder. Also called: DSP-related condition; DSP-related disorders.

Allele frequency attached by ClinVar (database versions not stated): ExAC 0.00001; gnomAD exomes 0.00002 and 0.00004; gnomAD 0.00006; TOPMed 0.00006.
gnomAD v4.1: 41 of 1,614,068 alleles (0.0025%); highest among the groups gnomAD compares: Admixed American, 0.023%; no homozygotes.

Submissions (6):

Labcorp Genetics (formerly Invitae), Labcorp
Classification: Benign for Arrhythmogenic cardiomyopathy with wooly hair and keratoderma; Arrhythmogenic right ventricular dysplasia 8. Last evaluated: 2025-07-21. Review status: criteria provided, single submitter. Criteria: Invitae Variant Classification Sherloc (09022015). Collection method: clinical testing. Allele origin: germline.

PreventionGenetics, part of Exact Sciences
Classification: Likely benign for DSP-related condition. Last evaluated: 2025-06-17. Review status: criteria provided, single submitter. Criteria: ACMG Guidelines, 2015. Collection method: clinical testing. Allele origin: germline.
Comment: This variant is classified as likely benign based on ACMG/AMP sequence variant interpretation guidelines (Richards et al. 2015 PMID: 25741868, with internal and published modifications).

Blueprint Genetics
Classification: Likely benign. Last evaluated: 2024-04-25. Review status: criteria provided, single submitter. Criteria: ACMG Guidelines, 2015. Collection method: clinical testing. Allele origin: germline.

All of Us Research Program, National Institutes of Health
Classification: Likely benign for Arrhythmogenic cardiomyopathy with wooly hair and keratoderma. Last evaluated: 2023-11-02. Review status: criteria provided, single submitter. Criteria: ACMG Guidelines, 2015. Collection method: clinical testing. Allele origin: germline. Inheritance: Autosomal dominant inheritance. Observed: 1 variant allele, 1 heterozygote.
Comment: This study involves interpretation of variants in research participants for the purpose of population health screening. Participant phenotype was not available at the time of variant classification. Additional details can be found in publication PMID: 35346344, PMCID: PMC8962531

Ambry Genetics
Classification: Likely benign for Cardiovascular phenotype. Last evaluated: 2023-05-04. Review status: criteria provided, single submitter. Criteria: Ambry Variant Classification Scheme 2023. Collection method: clinical testing. Allele origin: germline.

Color Diagnostics, LLC DBA Color Health
Classification: Likely benign for Cardiomyopathy. Last evaluated: 2019-02-21. Review status: criteria provided, single submitter. Criteria: ACMG Guidelines, 2015. Collection method: clinical testing. Allele origin: germline.